The following is an entry in ClinVar:

ClinVar aggregate classification (germline): Likely benign (0 of 4 stars; one submission).

Conditions:
Familial cancer of breast. Also called: BREAST CANCER, FAMILIAL; hereditary breast carcinoma; Hereditary breast cancer. Identifiers: Orphanet 227535, MedGen C0346153, MONDO:0016419, OMIM 114480. Disease mechanism: loss of function.

gnomAD v4.1: 2 of 1,603,882 alleles (0.00012%); highest among the groups gnomAD compares: African/African-American, 0.0013%; no homozygotes.

Submission:

Leiden Open Variation Database
Classification: Likely benign for Familial cancer of breast. Last evaluated: 2019-05-13. Review status: no assertion criteria provided. Collection method: curation. Allele origin: germline. Affected: yes.
Comment: Curators: Marc Tischkowitz, Arleen D. Auerbach. Submitter to LOVD: Marc Tischkowitz.

Literature cited by the submitters: PubMed 22241545.

NM_024675.4(PALB2):c.108+59C>G

Gene: PALB2 (partner and localizer of BRCA2; minus strand). Cytogenetic location: 16p12.2.
Variant type: single nucleotide variant.
Coding change: c.108+59C>G on transcript NM_024675.4 (MANE Select); 59 bases into the intron after coding-DNA position 108, C replaced by G.
Molecular consequence: intron variant.
Genome position (GRCh38, 1-based): chr16:23,638,011, G>C on the plus strand (C>G on the coding strand, the complement: PALB2 is on the minus strand). VCF-style: chr16-23638011-G-C. GRCh37 (hg19) VCF-style: chr16-23649332-G-C.
Identifiers: ClinVar variation 126588 (VCV000126588.3), dbSNP rs515726061, ClinGen allele CA269479.
Genomic context (GRCh38, chr16:23,638,011, plus strand): 5'-CGCTAGAGGAGACAAAAACAGCCCCAGAAATACGTTTTCTTTAAAGTTTTATAGAGTCAA[G>C]AACTGTTTTTAAATTGTTTGTACTATAACACCTTAATTTGAGAATACGATTCACTTACCT-3'